The following is an entry in ClinVar:

ClinVar aggregate classification (germline): Conflicting classifications of pathogenicity. Review status: criteria provided, conflicting classifications (1 of 4 stars). 2 submissions from 2 submitters: Uncertain significance (1); Likely benign (1). Last evaluated 2025-04-01.

Conditions:
Ataxia-telangiectasia syndrome (AT). Also called: Ataxia telangiectasia (A-T); LOUIS-BAR SYNDROME; Cerebello-oculocutaneous telangiectasia; Immunodeficiency with ataxia telangiectasia; Ataxia-telangiectasia, complementation group D; AT, COMPLEMENTATION GROUP C. Identifiers: Orphanet 100, MedGen C0004135, MONDO:0008840, OMIM 208900.
Hereditary cancer-predisposing syndrome. Also called: Hereditary neoplastic syndrome; Neoplastic Syndromes, Hereditary; Tumor predisposition; Hereditary Cancer Syndrome. Identifiers: Orphanet 140162, MedGen C0027672, MeSH D009386, MONDO:0015356.

Submissions (2):

Labcorp Genetics (formerly Invitae), Labcorp
Classification: Uncertain significance for Ataxia-telangiectasia syndrome. Last evaluated: 2025-04-01. Review status: criteria provided, single submitter. Criteria: Invitae Variant Classification Sherloc (09022015). Collection method: clinical testing. Allele origin: germline.
Comment: This sequence change affects codon 2079 of the ATM mRNA. It is a 'silent' change, meaning that it does not change the encoded amino acid sequence of the ATM protein. This variant is not present in population databases (gnomAD no frequency). This variant has not been reported in the literature in individuals affected with ATM-related conditions. ClinVar contains an entry for this variant (Variation ID: 1752362). Algorithms developed to predict the effect of sequence changes on RNA splicing suggest that this variant may disrupt the consensus splice site. In summary, the available evidence is currently insufficient to determine the role of this variant in disease. Therefore, it has been classified as a Variant of Uncertain Significance.

Ambry Genetics
Classification: Likely benign for Hereditary cancer-predisposing syndrome. Last evaluated: 2022-11-29. Review status: criteria provided, single submitter. Criteria: Ambry Variant Classification Scheme 2023. Collection method: clinical testing. Allele origin: germline.

NM_000051.4(ATM):c.6237C>T (p.Val2079=)

Genes: ATM (ATM serine/threonine kinase; plus strand), C11orf65 (chromosome 11 open reading frame 65; minus strand). Cytogenetic location: 11q22.3.
Variant type: single nucleotide variant.
Coding change: c.6237C>T on transcript NM_000051.4 (MANE Select); coding-DNA position 6237, C replaced by T.
Protein change: p.Val2079=; no amino-acid change (valine 2079 retained).
Molecular consequence: synonymous variant. On other transcripts: intron variant (2).
Genome position (GRCh38, 1-based): chr11:108,317,411, C>T. VCF-style: chr11-108317411-C-T. GRCh37 (hg19) VCF-style: chr11-108188138-C-T.
Other names: c.6237C>T, p.Val2079= (NM_001351834.2); c.641-8340G>A (NM_001330368.2); c.*39-8340G>A (NM_001351110.2).
Identifiers: ClinVar variation 1752362 (VCV001752362.5), dbSNP rs1446399368, ClinGen allele CA476675976.